The following is an entry in ClinVar:

ClinVar aggregate classification (germline): Uncertain significance (1 of 4 stars; one submission).

Conditions:
Charcot-Marie-Tooth disease type 2. Also called: Charcot-Marie-Tooth type 2. Identifiers: Orphanet 64746, MedGen C0270914, MONDO:0018993.

Allele frequency attached by ClinVar (database versions not stated): gnomAD exomes below 0.00001.
gnomAD v4.1: 2 of 1,614,074 alleles (0.00012%); highest among the groups gnomAD compares: Non-Finnish European, 0.00017%; no homozygotes.

Submission:

Labcorp Genetics (formerly Invitae), Labcorp
Classification: Uncertain significance for Charcot-Marie-Tooth disease type 2. Last evaluated: 2022-02-06. Review status: criteria provided, single submitter. Criteria: Invitae Variant Classification Sherloc (09022015). Collection method: clinical testing. Allele origin: germline.
Comment: This variant has not been reported in the literature in individuals affected with AARS-related conditions. In summary, the available evidence is currently insufficient to determine the role of this variant in disease. Therefore, it has been classified as a Variant of Uncertain Significance. Algorithms developed to predict the effect of missense changes on protein structure and function (SIFT, PolyPhen-2, Align-GVGD) all suggest that this variant is likely to be tolerated. This variant is not present in population databases (gnomAD no frequency). This sequence change replaces valine, which is neutral and non-polar, with methionine, which is neutral and non-polar, at codon 791 of the AARS protein (p.Val791Met).

NM_001605.3(AARS1):c.2371G>A (p.Val791Met)

Gene: AARS1 (alanyl-tRNA synthetase 1; minus strand). Cytogenetic location: 16q22.1.
Variant type: single nucleotide variant.
Coding change: c.2371G>A on transcript NM_001605.3 (MANE Select); coding-DNA position 2371, G replaced by A.
Protein change: p.Val791Met; replaces valine 791 with methionine.
Molecular consequence: missense variant.
Genome position (GRCh38, 1-based): chr16:70,254,650, C>T on the plus strand (G>A on the coding strand, the complement: AARS1 is on the minus strand). VCF-style: chr16-70254650-C-T. GRCh37 (hg19) VCF-style: chr16-70288553-C-T.
Other names: short protein forms V791M.
Identifiers: ClinVar variation 2093778 (VCV002093778.4), dbSNP rs536293565, ClinGen allele CA396555679.